The following is an entry in ClinVar:

NM_001164508.2(NEB):c.22645G>T (p.Glu7549Ter)

Genes: RIF1 (replication timing regulatory factor 1; plus strand), NEB (nebulin; minus strand). Cytogenetic location: 2q23.3.
Variant type: single nucleotide variant.
Coding change: c.22645G>T on transcript NM_001164508.2 (MANE Select); coding-DNA position 22645, G replaced by T.
Protein change: p.Glu7549Ter; replaces glutamic acid 7549 with a stop codon.
Molecular consequence: nonsense.
Genome position (GRCh38, 1-based): chr2:151,519,015, C>A on the plus strand (G>T on the coding strand, the complement: NEB is on the minus strand). VCF-style: chr2-151519015-C-A. GRCh37 (hg19) VCF-style: chr2-152375529-C-A.
Other names: c.22645G>T, p.Glu7549Ter (NM_001164507.2); c.22750G>T, p.Glu7584Ter (NM_001271208.2); c.17542G>T, p.Glu5848Ter (NM_004543.5); short protein forms E5848*, E7584*, E7549*.
Identifiers: ClinVar variation 968758 (VCV000968758.7), dbSNP rs2080077889, ClinGen allele CA348760599.
Genomic context (GRCh38, chr2:151,519,015, plus strand): 5'-CTGAGCTTACAGAACTGGCAAGTTGGCTTGTATTCAGGACATGATTCATGATCAGAGACT[C>A]CTTCATGTCAGTCACGGGTTTGTGAAGTTTCTTCAGGTCAGCCTTGTATTTAACCTGTGT-3'

ClinVar aggregate classification (germline): Pathogenic (1 of 4 stars; one submission).

Conditions:
Nemaline myopathy 2 (NEM2). Also called: Nemaline myopathy 2, autosomal recessive. Identifiers: MedGen C1850569, MONDO:0009725, OMIM 256030.

Submission:

Labcorp Genetics (formerly Invitae), Labcorp
Classification: Pathogenic for Nemaline myopathy 2. Last evaluated: 2019-11-11. Review status: criteria provided, single submitter. Criteria: Invitae Variant Classification Sherloc (09022015). Collection method: clinical testing. Allele origin: germline.
Comment: This sequence change creates a premature translational stop signal (p.Glu7584*) in the NEB gene. It is expected to result in an absent or disrupted protein product. This variant is not present in population databases (ExAC no frequency). For these reasons, this variant has been classified as Pathogenic. Loss-of-function variants in NEB are known to be pathogenic (PMID: 25205138). This variant has not been reported in the literature in individuals with NEB-related conditions.

Literature cited by the submitters: PubMed 25205138.